The following is an entry in ClinVar:

NM_022455.5(NSD1):c.7696A>G (p.Thr2566Ala)

Gene: NSD1 (nuclear receptor binding SET domain protein 1; plus strand). Cytogenetic location: 5q35.3.
Variant type: single nucleotide variant.
Coding change: c.7696A>G on transcript NM_022455.5 (MANE Select); coding-DNA position 7696, A replaced by G.
Protein change: p.Thr2566Ala; replaces threonine 2566 with alanine.
Molecular consequence: missense variant.
Genome position (GRCh38, 1-based): chr5:177,295,064, A>G. VCF-style: chr5-177295064-A-G. GRCh37 (hg19) VCF-style: chr5-176722065-A-G.
Other names: c.6823A>G, p.Thr2275Ala (NM_001365684.2, NM_001409308.1, NM_172349.5); c.7696A>G, p.Thr2566Ala (NM_001409301.1, NM_001409302.1, NM_001409303.1); c.7276A>G, p.Thr2426Ala (NM_001409304.1); c.6943A>G, p.Thr2315Ala (NM_001409305.1); c.6934A>G, p.Thr2312Ala (NM_001409306.1, NM_001409307.1); c.6574A>G, p.Thr2192Ala (NM_001409309.1); short protein forms T2566A, T2297A, T2275A, T2312A, T2315A, T2192A, T2426A.
Identifiers: ClinVar variation 1388233 (VCV001388233.8), dbSNP rs778841211, ClinGen allele CA3578163.

ClinVar aggregate classification (germline): Uncertain significance (1 of 4 stars; one submission).

Allele frequency attached by ClinVar (database versions not stated): ExAC 0.00001; gnomAD exomes 0.00001; gnomAD 0.00002; TOPMed 0.00002.
gnomAD v4.1: 20 of 1,612,142 alleles (0.0012%); highest among the groups gnomAD compares: Non-Finnish European, 0.0014%; no homozygotes.

Submission:

Labcorp Genetics (formerly Invitae), Labcorp
Classification: Uncertain significance. Last evaluated: 2024-12-03. Review status: criteria provided, single submitter. Criteria: Invitae Variant Classification Sherloc (09022015). Collection method: clinical testing. Allele origin: germline.
Comment: This sequence change replaces threonine, which is neutral and polar, with alanine, which is neutral and non-polar, at codon 2566 of the NSD1 protein (p.Thr2566Ala). This variant is present in population databases (rs778841211, gnomAD 0.0009%). This variant has not been reported in the literature in individuals affected with NSD1-related conditions. ClinVar contains an entry for this variant (Variation ID: 1388233). Invitae Evidence Modeling of protein sequence and biophysical properties (such as structural, functional, and spatial information, amino acid conservation, physicochemical variation, residue mobility, and thermodynamic stability) indicates that this missense variant is not expected to disrupt NSD1 protein function with a negative predictive value of 95%. In summary, the available evidence is currently insufficient to determine the role of this variant in disease. Therefore, it has been classified as a Variant of Uncertain Significance.